The following is an entry in ClinVar:

NM_177986.5(DSG4):c.2621A>C (p.Asn874Thr)

Genes: DSG1-AS1 (DSG1 antisense RNA 1; minus strand), DSG4 (desmoglein 4; plus strand). Cytogenetic location: 18q12.1.
Variant type: single nucleotide variant.
Coding change: c.2621A>C on transcript NM_177986.5 (MANE Select); coding-DNA position 2621, A replaced by C.
Protein change: p.Asn874Thr; replaces asparagine 874 with threonine.
Molecular consequence: missense variant.
Genome position (GRCh38, 1-based): chr18:31,413,093, A>C. VCF-style: chr18-31413093-A-C. GRCh37 (hg19) VCF-style: chr18-28993056-A-C.
Other names: c.2678A>C, p.Asn893Thr (NM_001134453.3); short protein forms N893T, N874T.
Identifiers: ClinVar variation 2077909 (VCV002077909.4), dbSNP rs756399115, ClinGen allele CA402125838.

ClinVar aggregate classification (germline): Uncertain significance (1 of 4 stars; one submission).

gnomAD v4.1: 1 of 1,614,102 alleles (0.000062%); highest among the groups gnomAD compares: Admixed American, 0.0017%; no homozygotes.

Submission:

Labcorp Genetics (formerly Invitae), Labcorp
Classification: Uncertain significance. Last evaluated: 2022-10-05. Review status: criteria provided, single submitter. Criteria: Invitae Variant Classification Sherloc (09022015). Collection method: clinical testing. Allele origin: germline.
Comment: This sequence change replaces asparagine, which is neutral and polar, with threonine, which is neutral and polar, at codon 874 of the DSG4 protein (p.Asn874Thr). This variant is present in population databases (no rsID available, gnomAD 0.003%). This variant has not been reported in the literature in individuals affected with DSG4-related conditions. Algorithms developed to predict the effect of missense changes on protein structure and function are either unavailable or do not agree on the potential impact of this missense change (SIFT: "Not Available"; PolyPhen-2: "Benign"; Align-GVGD: "Not Available"). In summary, the available evidence is currently insufficient to determine the role of this variant in disease. Therefore, it has been classified as a Variant of Uncertain Significance.